The following is an entry in ClinVar:

ClinVar aggregate classification (germline): Uncertain significance (1 of 4 stars; one submission).

Submission:

Labcorp Genetics (formerly Invitae), Labcorp
Classification: Uncertain significance. Last evaluated: 2022-07-06. Review status: criteria provided, single submitter. Criteria: Invitae Variant Classification Sherloc (09022015). Collection method: clinical testing. Allele origin: germline.
Comment: This sequence change replaces valine, which is neutral and non-polar, with leucine, which is neutral and non-polar, at codon 1513 of the PCLO protein (p.Val1513Leu). This variant is not present in population databases (gnomAD no frequency). This variant has not been reported in the literature in individuals affected with PCLO-related conditions. ClinVar contains an entry for this variant (Variation ID: 1466059). Algorithms developed to predict the effect of missense changes on protein structure and function output the following: SIFT: "Tolerated"; PolyPhen-2: "Not Available"; Align-GVGD: "Class C0". The leucine amino acid residue is found in multiple mammalian species, which suggests that this missense change does not adversely affect protein function. In summary, the available evidence is currently insufficient to determine the role of this variant in disease. Therefore, it has been classified as a Variant of Uncertain Significance.

NM_033026.6(PCLO):c.4537G>C (p.Val1513Leu)

Gene: PCLO (piccolo presynaptic cytomatrix protein; minus strand). Cytogenetic location: 7q21.11.
Variant type: single nucleotide variant.
Coding change: c.4537G>C on transcript NM_033026.6 (MANE Select); coding-DNA position 4537, G replaced by C.
Protein change: p.Val1513Leu; replaces valine 1513 with leucine.
Molecular consequence: missense variant.
Genome position (GRCh38, 1-based): chr7:82,956,416, C>G on the plus strand (G>C on the coding strand, the complement: PCLO is on the minus strand). VCF-style: chr7-82956416-C-G. GRCh37 (hg19) VCF-style: chr7-82585732-C-G.
Other names: c.4537G>C, p.Val1513Leu (NM_014510.3); short protein forms V1513L.
Identifiers: ClinVar variation 1466059 (VCV001466059.3), dbSNP rs2115575888, ClinGen allele CA367926546.
Genomic context (GRCh38, chr7:82,956,416, plus strand): 5'-CACTAGTTCTTCGTTTTCTTTGTGGAACAGGTGAGTTTTCACTTTCACTACTCTCTTCAA[C>G]TGAATCATAAGGCTCTCTTCTAGTAGTTATGTCATCAACAAACTCAGACTTCTCTTTATG-3'
Protein context (NP_149015.2, residues 1503-1523): ITTRREPYDS[Val1513Leu]EESSESENSP